The following is an entry in ClinVar:

NM_006231.4(POLE):c.4145G>T (p.Arg1382Leu)

Gene: POLE (DNA polymerase epsilon, catalytic subunit; minus strand). Cytogenetic location: 12q24.33.
Variant type: single nucleotide variant.
Coding change: c.4145G>T on transcript NM_006231.4 (MANE Select); coding-DNA position 4145, G replaced by T.
Protein change: p.Arg1382Leu; replaces arginine 1382 with leucine.
Molecular consequence: missense variant.
Genome position (GRCh38, 1-based): chr12:132,648,933, C>A on the plus strand (G>T on the coding strand, the complement: POLE is on the minus strand). VCF-style: chr12-132648933-C-A. GRCh37 (hg19) VCF-style: chr12-133225519-C-A.
Other names: c.4145G>T (NM_006231.2); short protein forms R1382L.
Identifiers: ClinVar variation 1011353 (VCV001011353.7), dbSNP rs143229302, ClinGen allele CA387383573.

ClinVar aggregate classification (germline): Uncertain significance. Review status: criteria provided, multiple submitters, no conflicts (2 of 4 stars). 2 submissions from 2 submitters: Uncertain significance (2). Last evaluated 2025-10-06.

Conditions:
Hereditary cancer-predisposing syndrome. Also called: Tumor predisposition; Hereditary neoplastic syndrome; Neoplastic Syndromes, Hereditary; Hereditary Cancer Syndrome. Identifiers: Orphanet 140162, MedGen C0027672, MeSH D009386, MONDO:0015356.

gnomAD v4.1: 2 of 1,611,214 alleles (0.00012%); highest among the groups gnomAD compares: African/African-American, 0.0027%; no homozygotes.

Submissions (2):

Labcorp Genetics (formerly Invitae), Labcorp
Classification: Uncertain significance. Last evaluated: 2025-10-06. Review status: criteria provided, single submitter. Criteria: Invitae Variant Classification Sherloc (09022015). Collection method: clinical testing. Allele origin: germline.
Comment: This sequence change replaces arginine, which is basic and polar, with leucine, which is neutral and non-polar, at codon 1382 of the POLE protein (p.Arg1382Leu). This variant is not present in population databases (gnomAD no frequency). This variant has not been reported in the literature in individuals affected with POLE-related conditions. ClinVar contains an entry for this variant (Variation ID: 1011353). Invitae Evidence Modeling of protein sequence and biophysical properties (such as structural, functional, and spatial information, amino acid conservation, physicochemical variation, residue mobility, and thermodynamic stability) indicates that this missense variant is not expected to disrupt POLE protein function with a negative predictive value of 80%. In summary, the available evidence is currently insufficient to determine the role of this variant in disease. Therefore, it has been classified as a Variant of Uncertain Significance.

Ambry Genetics
Classification: Uncertain significance for Hereditary cancer-predisposing syndrome. Last evaluated: 2025-02-20. Review status: criteria provided, single submitter. Criteria: Ambry Variant Classification Scheme 2023. Collection method: clinical testing. Allele origin: germline.
Comment: The p.R1382L variant (also known as c.4145G>T), located in coding exon 32 of the POLE gene, results from a G to T substitution at nucleotide position 4145. The arginine at codon 1382 is replaced by leucine, an amino acid with dissimilar properties. This amino acid position is well conserved in available vertebrate species. In addition, this alteration is predicted to be tolerated by in silico analysis. Based on the available evidence, the clinical significance of this variant remains unclear.